The following is an entry in ClinVar:

ClinVar aggregate classification (germline): Uncertain significance (1 of 4 stars; one submission).

Conditions:
Neurofibromatosis, type 1 (NF1). Also called: VON RECKLINGHAUSEN DISEASE; NEUROFIBROMATOSIS, TYPE I, SOMATIC; Peripheral type neurofibromatosis; Neurofibromatosis, type I. Identifiers: Orphanet 636, MedGen C0027831, MONDO:0018975, OMIM 162200. Disease mechanism: loss of function.

Submission:

Labcorp Genetics (formerly Invitae), Labcorp
Classification: Uncertain significance for Neurofibromatosis, type 1. Last evaluated: 2020-07-30. Review status: criteria provided, single submitter. Criteria: Invitae Variant Classification Sherloc (09022015). Collection method: clinical testing. Allele origin: germline.
Comment: In summary, the available evidence is currently insufficient to determine the role of this variant in disease. Therefore, it has been classified as a Variant of Uncertain Significance. Advanced modeling of protein sequence and biophysical properties (such as structural, functional, and spatial information, amino acid conservation, physicochemical variation, residue mobility, and thermodynamic stability) performed at Invitae indicates that this missense variant is expected to disrupt NF1 protein function. This variant has not been reported in the literature in individuals with NF1-related conditions. This variant is not present in population databases (ExAC no frequency). This sequence change replaces alanine with threonine at codon 1294 of the NF1 protein (p.Ala1294Thr). The alanine residue is moderately conserved and there is a small physicochemical difference between alanine and threonine.

NM_001042492.3(NF1):c.3880G>A (p.Ala1294Thr)

Gene: NF1 (neurofibromin 1; plus strand). Cytogenetic location: 17q11.2.
Variant type: single nucleotide variant.
Coding change: c.3880G>A on transcript NM_001042492.3 (MANE Select); coding-DNA position 3880, G replaced by A.
Protein change: p.Ala1294Thr; replaces alanine 1294 with threonine.
Molecular consequence: missense variant.
Genome position (GRCh38, 1-based): chr17:31,235,927, G>A. VCF-style: chr17-31235927-G-A. GRCh37 (hg19) VCF-style: chr17-29562945-G-A.
Other names: c.3880G>A, p.Ala1294Thr (NM_000267.4); short protein forms A1294T.
Identifiers: ClinVar variation 1043321 (VCV001043321.5), dbSNP rs2067193484, ClinGen allele CA398993011.